The following is an entry in ClinVar:

ClinVar aggregate classification (germline): Pathogenic (1 of 4 stars; one submission).

Submission:

Labcorp Genetics (formerly Invitae), Labcorp
Classification: Pathogenic. Last evaluated: 2023-05-11. Review status: criteria provided, single submitter. Criteria: Invitae Variant Classification Sherloc (09022015). Collection method: clinical testing. Allele origin: germline.
Comment: For these reasons, this variant has been classified as Pathogenic. This variant has not been reported in the literature in individuals affected with SLC4A11-related conditions. This variant is not present in population databases (gnomAD no frequency). This sequence change creates a premature translational stop signal (p.Ser147Trpfs*58) in the SLC4A11 gene. It is expected to result in an absent or disrupted protein product. Loss-of-function variants in SLC4A11 are known to be pathogenic (PMID: 17220209, 17679935).

Literature cited by the submitters: PubMed 17220209; PubMed 17679935.

NM_001174089.2(SLC4A11):c.392_395del (p.Ser131fs)

Gene: SLC4A11 (solute carrier family 4 member 11; minus strand). Cytogenetic location: 20p13.
Variant type: Deletion.
Coding change: c.392_395del on transcript NM_001174089.2 (MANE Select); coding-DNA positions 392 to 395, 4 bases deleted (CCCT; older notation c.392_395delCCCT).
Protein change: p.Ser131fs; shifts the reading frame from serine 131.
Molecular consequence: frameshift variant. On other transcripts: non-coding transcript variant (3).
Genome position (GRCh38, 1-based): chr20:3,234,211-3,234,214, AGGG deleted on the plus strand (CCCT on the coding strand, the reverse complement: SLC4A11 is on the minus strand); deleting any 4 consecutive bases within chr20:3,234,211-3,234,217 gives the same sequence; the c. name uses the placement nearest the transcript's 3' end. VCF-style (leftmost placement, unchanged base first): chr20-3234210-CAGGG-C. GRCh37 (hg19) VCF-style: chr20-3214856-CAGGG-C.
Other names: c.335_338del, p.Ser112fs (NM_001400279.1, NM_001400277.1, NM_001400278.1); c.521_524del, p.Ser174fs (NM_001400280.1, NM_001174090.2); c.440_443del, p.Ser147fs (NM_032034.4); c.392_395del, p.Ser131fs (NM_001363745.2); short protein forms S131fs, S174fs, S112fs, S147fs.
Identifiers: ClinVar variation 2823603 (VCV002823603.3), dbSNP rs2514601734, ClinGen allele CA2739277037.